The following is an entry in ClinVar:

ClinVar aggregate classification (germline): Uncertain significance (1 of 4 stars; one submission).

Conditions:
Pyruvate dehydrogenase phosphatase deficiency (PDHPD). Also called: LACTIC ACIDEMIA WITH PYRUVATE DEHYDROGENASE PHOSPHATASE DEFICIENCY. Identifiers: Orphanet 79246, MedGen C1837429, MONDO:0012120, OMIM 608782.

Submission:

Victorian Clinical Genetics Services, Murdoch Childrens Research Institute
Classification: Uncertain significance for Pyruvate dehydrogenase phosphatase deficiency. Last evaluated: 2026-03-11. Review status: criteria provided, single submitter. Criteria: ACMG Guidelines, 2015. Collection method: clinical testing. Allele origin: germline. Affected: yes.
Comment: This variant is classified as VUS-3A. Evidence in support of pathogenic classification: Variant is absent from gnomAD (v2, v3 and v4); Missense variant predicted to be damaging by in silico tool(s) or highly conserved with a major amino acid change. Additional information: Variant is predicted to result in a missense amino acid change from Leu to Arg; This variant is homozygous; This gene is associated with autosomal recessive disease; This variant has no previous evidence of pathogenicity; No published evidence of segregation with disease has been identified for this variant; No published functional evidence has been identified for this variant; Another missense variant(s) comparable to the one identified in this case has inconclusive previous evidence for pathogenicity. p.(Leu243Phe) has been classified as a VUS by a clinical laboratory in ClinVar; Variant is located in the annotated protein phosphatase 2C domain (DECIPHER); Loss of function is a known mechanism of disease in this gene and is associated with pyruvate dehydrogenase phosphatase deficiency (MIM#608782); Inheritance information for this variant is not currently available in this individual.

NM_018444.4(PDP1):c.728T>G (p.Leu243Arg)

Gene: PDP1 (pyruvate dehydrogenase phosphatase catalytic subunit 1; plus strand). Cytogenetic location: 8q22.1.
Variant type: single nucleotide variant.
Coding change: c.728T>G on transcript NM_018444.4 (MANE Select); coding-DNA position 728, T replaced by G.
Protein change: p.Leu243Arg; replaces leucine 243 with arginine.
Molecular consequence: missense variant.
Genome position (GRCh38, 1-based): chr8:93,922,787, T>G. VCF-style: chr8-93922787-T-G. GRCh37 (hg19) VCF-style: chr8-94935015-T-G.
Other names: c.803T>G, p.Leu268Arg (NM_001161779.2, NM_001161780.2); c.728T>G, p.Leu243Arg (NM_001161781.2); short protein forms L243R, L268R.
Identifiers: ClinVar variation 4845341 (VCV004845341.2).